The following is an entry in ClinVar:

NM_002968.3(SALL1):c.1393C>T (p.Gln465Ter)

Gene: SALL1 (spalt like transcription factor 1; minus strand). Cytogenetic location: 16q12.1.
Variant type: single nucleotide variant.
Coding change: c.1393C>T on transcript NM_002968.3 (MANE Select); coding-DNA position 1393, C replaced by T.
Protein change: p.Gln465Ter; replaces glutamine 465 with a stop codon.
Molecular consequence: nonsense.
Genome position (GRCh38, 1-based): chr16:51,140,829, G>A on the plus strand (C>T on the coding strand, the complement: SALL1 is on the minus strand). VCF-style: chr16-51140829-G-A. GRCh37 (hg19) VCF-style: chr16-51174740-G-A.
Other names: c.1102C>T, p.Gln368Ter (NM_001127892.2); short protein forms Q465*, Q368*.
Identifiers: ClinVar variation 373187 (VCV000373187.2), dbSNP rs1057518273, ClinGen allele CA16043016.

ClinVar aggregate classification (germline): Pathogenic (1 of 4 stars; one submission).

Submission:

GeneDx
Classification: Pathogenic. Last evaluated: 2016-11-23. Review status: criteria provided, single submitter. Criteria: GeneDx Variant Classification (06012015). Collection method: clinical testing. Allele origin: germline. Affected: yes.
Comment: The Q465X pathogenic variant in the SALL1 gene has not been reported previously as a pathogenic variant, nor as a benign variant, to our knowledge. This variant is predicted to cause loss of normal protein function either through protein truncation or nonsense-mediated mRNA decay. The Q465X variant was not observed in approximately 6,500 individuals of European and African American ancestry in the NHLBI Exome Sequencing Project, indicating it is not a common benign variant in these populations. We interpret Q465X as a pathogenic variant.